The following is an entry in ClinVar:

NM_001943.5(DSG2):c.2758G>T (p.Val920Leu)

Genes: DSG2 (desmoglein 2; plus strand), DSG2-AS1 (DSG2 antisense RNA 1; minus strand). Cytogenetic location: 18q12.1.
Variant type: single nucleotide variant.
Coding change: c.2758G>T on transcript NM_001943.5 (MANE Select); coding-DNA position 2758, G replaced by T.
Protein change: p.Val920Leu; replaces valine 920 with leucine.
Molecular consequence: missense variant.
Genome position (GRCh38, 1-based): chr18:31,546,144, G>T. VCF-style: chr18-31546144-G-T. GRCh37 (hg19) VCF-style: chr18-29126107-G-T.
Other names: short protein forms V920L.
Identifiers: ClinVar variation 2448370 (VCV002448370.2), dbSNP rs547741894, ClinGen allele CA047148.

ClinVar aggregate classification (germline): Uncertain significance (1 of 4 stars; one submission).

Conditions:
Cardiovascular phenotype. Identifiers: MedGen CN230736.

gnomAD v4.1: 2 of 1,614,150 alleles (0.00012%); highest among the groups gnomAD compares: South Asian, 0.0022%; no homozygotes.

Submission:

Ambry Genetics
Classification: Uncertain significance for Cardiovascular phenotype. Last evaluated: 2022-12-09. Review status: criteria provided, single submitter. Criteria: Ambry Variant Classification Scheme 2023. Collection method: clinical testing. Allele origin: germline.
Comment: The p.V920L variant (also known as c.2758G>T), located in coding exon 15 of the DSG2 gene, results from a G to T substitution at nucleotide position 2758. The valine at codon 920 is replaced by leucine, an amino acid with highly similar properties. This amino acid position is conserved. In addition, this alteration is predicted to be tolerated by in silico analysis. Since supporting evidence is limited at this time, the clinical significance of this alteration remains unclear.